The following is an entry in ClinVar:

ClinVar aggregate classification (germline): Likely benign (0 of 4 stars; one submission).

Conditions:
WDFY3-related disorder.

Allele frequency attached by ClinVar (database versions not stated): gnomAD 0.00001; TOPMed 0.00001; ExAC 0.00002; gnomAD exomes 0.00002.

Submission:

PreventionGenetics, part of Exact Sciences
Classification: Likely benign for WDFY3-related condition. Last evaluated: 2019-04-25. Review status: no assertion criteria provided. Collection method: clinical testing. Allele origin: germline.
Comment: This variant is classified as likely benign based on ACMG/AMP sequence variant interpretation guidelines (Richards et al. 2015 PMID: 25741868, with internal and published modifications).

NM_014991.6(WDFY3):c.5124C>T (p.Leu1708=)

Gene: WDFY3 (WD repeat and FYVE domain containing 3; minus strand). Cytogenetic location: 4q21.23.
Variant type: single nucleotide variant.
Coding change: c.5124C>T on transcript NM_014991.6 (MANE Select); coding-DNA position 5124, C replaced by T.
Protein change: p.Leu1708=; no amino-acid change (leucine 1708 retained).
Molecular consequence: synonymous variant.
Genome position (GRCh38, 1-based): chr4:84,765,874, G>A on the plus strand (C>T on the coding strand, the complement: WDFY3 is on the minus strand). VCF-style: chr4-84765874-G-A. GRCh37 (hg19) VCF-style: chr4-85687027-G-A.
Identifiers: ClinVar variation 3057968 (VCV003057968.2), dbSNP rs774989647, ClinGen allele CA2993107.